The following is an entry in ClinVar:

ClinVar aggregate classification (germline): Uncertain significance. Review status: criteria provided, multiple submitters, no conflicts (2 of 4 stars). 2 submissions from 2 submitters: Uncertain significance (2). Last evaluated 2024-03-28.

Conditions:
Inborn genetic diseases. Identifiers: MedGen C0950123, MeSH D030342.
Hereditary spastic paraplegia 54. Also called: Spastic paraplegia 54, autosomal recessive. Identifiers: Orphanet 320380, MedGen C3539495, MONDO:0014018, OMIM 615033.

Allele frequency attached by ClinVar (database versions not stated): gnomAD 0.00001; gnomAD exomes 0.00001; TOPMed 0.00002; ExAC 0.00003.
gnomAD v4.1: 23 of 1,612,292 alleles (0.0014%); highest among the groups gnomAD compares: Admixed American, 0.01%; no homozygotes.

Submissions (2):

Ambry Genetics
Classification: Uncertain significance for Inborn genetic diseases. Last evaluated: 2024-03-28. Review status: criteria provided, single submitter. Criteria: Ambry Variant Classification Scheme 2023. Collection method: clinical testing. Allele origin: germline.

Labcorp Genetics (formerly Invitae), Labcorp
Classification: Uncertain significance for Hereditary spastic paraplegia 54. Last evaluated: 2022-08-13. Review status: criteria provided, single submitter. Criteria: Invitae Variant Classification Sherloc (09022015). Collection method: clinical testing. Allele origin: germline.
Comment: Algorithms developed to predict the effect of sequence changes on RNA splicing suggest that this variant may disrupt the consensus splice site. In summary, the available evidence is currently insufficient to determine the role of this variant in disease. Therefore, it has been classified as a Variant of Uncertain Significance. This sequence change replaces lysine, which is basic and polar, with glutamine, which is neutral and polar, at codon 436 of the DDHD2 protein (p.Lys436Gln). This variant is present in population databases (rs751444042, gnomAD 0.01%). This variant has not been reported in the literature in individuals affected with DDHD2-related conditions. Algorithms developed to predict the effect of missense changes on protein structure and function are either unavailable or do not agree on the potential impact of this missense change (SIFT: "Deleterious"; PolyPhen-2: "Probably Damaging"; Align-GVGD: "Class C0").

NM_015214.3(DDHD2):c.1306A>C (p.Lys436Gln)

Gene: DDHD2 (DDHD domain containing 2; plus strand). Cytogenetic location: 8p11.23.
Variant type: single nucleotide variant.
Coding change: c.1306A>C on transcript NM_015214.3 (MANE Select); coding-DNA position 1306, A replaced by C.
Protein change: p.Lys436Gln; replaces lysine 436 with glutamine.
Molecular consequence: missense variant. On other transcripts: non-coding transcript variant (2).
Genome position (GRCh38, 1-based): chr8:38,249,765, A>C. VCF-style: chr8-38249765-A-C. GRCh37 (hg19) VCF-style: chr8-38107283-A-C.
Other names: c.1306A>C, p.Lys436Gln (NM_001164232.2, NM_001362911.2, NM_001362912.2 and 1 more transcripts); c.1216A>C, p.Lys406Gln (NM_001362913.2); c.1306A>C (NM_015214.2); short protein forms K406Q, K436Q.
Identifiers: ClinVar variation 1928008 (VCV001928008.5), dbSNP rs751444042, ClinGen allele CA4716209.